The following is an entry in ClinVar:

ClinVar aggregate classification (germline): Uncertain significance. Review status: criteria provided, multiple submitters, no conflicts (2 of 4 stars). 3 submissions from 3 submitters: Uncertain significance (3). Last evaluated 2023-06-01.

Conditions:
Aortic aneurysm, familial thoracic 7 (AAT7). Also called: AORTIC DISSECTION, FAMILIAL, WITH OR WITHOUT AORTIC ANEURYSM. Identifiers: MedGen C3151077, MONDO:0013418, OMIM 613780.
Familial thoracic aortic aneurysm and aortic dissection (TAAD). Also called: Thoracic aortic aneurysms and dissections. Identifiers: Orphanet 91387, MedGen C4707243, MONDO:0019625.

Allele frequency attached by ClinVar (database versions not stated): gnomAD exomes below 0.00001; gnomAD 0.00001; TOPMed 0.00002.
gnomAD v4.1: 4 of 1,614,050 alleles (0.00025%); highest among the groups gnomAD compares: Admixed American, 0.0067%; no homozygotes.

Submissions (3):

Ambry Genetics
Classification: Uncertain significance for Familial thoracic aortic aneurysm and aortic dissection. Last evaluated: 2023-06-01. Review status: criteria provided, single submitter. Criteria: Ambry Variant Classification Scheme 2023. Collection method: clinical testing. Allele origin: germline.
Comment: The p.V236M variant (also known as c.706G>A), located in coding exon 5 of the MYLK gene, results from a G to A substitution at nucleotide position 706. The valine at codon 236 is replaced by methionine, an amino acid with highly similar properties. This amino acid position is conserved. In addition, this alteration is predicted to be tolerated by in silico analysis. Since supporting evidence is limited at this time, the clinical significance of this alteration remains unclear.

Labcorp Genetics (formerly Invitae), Labcorp
Classification: Uncertain significance for Aortic aneurysm, familial thoracic 7. Last evaluated: 2022-02-21. Review status: criteria provided, single submitter. Criteria: Invitae Variant Classification Sherloc (09022015). Collection method: clinical testing. Allele origin: germline.
Comment: This sequence change replaces valine, which is neutral and non-polar, with methionine, which is neutral and non-polar, at codon 236 of the MYLK protein (p.Val236Met). This variant is present in population databases (no rsID available, gnomAD 0.003%). This variant has not been reported in the literature in individuals affected with MYLK-related conditions. ClinVar contains an entry for this variant (Variation ID: 900918). Advanced modeling of protein sequence and biophysical properties (such as structural, functional, and spatial information, amino acid conservation, physicochemical variation, residue mobility, and thermodynamic stability) performed at Invitae indicates that this missense variant is not expected to disrupt MYLK protein function. In summary, the available evidence is currently insufficient to determine the role of this variant in disease. Therefore, it has been classified as a Variant of Uncertain Significance.

Illumina Laboratory Services, Illumina
Classification: Uncertain significance for Aortic aneurysm, familial thoracic 7. Last evaluated: 2018-01-12. Review status: criteria provided, single submitter. Criteria: ICSL Variant Classification Criteria 13 December 2019. Collection method: clinical testing. Allele origin: germline.

NM_053025.4(MYLK):c.706G>A (p.Val236Met)

Gene: MYLK (myosin light chain kinase; minus strand). Cytogenetic location: 3q21.1.
Variant type: single nucleotide variant.
Coding change: c.706G>A on transcript NM_053025.4 (MANE Select); coding-DNA position 706, G replaced by A.
Protein change: p.Val236Met; replaces valine 236 with methionine.
Molecular consequence: missense variant.
Genome position (GRCh38, 1-based): chr3:123,737,426, C>T on the plus strand (G>A on the coding strand, the complement: MYLK is on the minus strand). VCF-style: chr3-123737426-C-T. GRCh37 (hg19) VCF-style: chr3-123456273-C-T.
Other names: c.178G>A, p.Val60Met (NM_001321309.2); c.706G>A, p.Val236Met (NM_053026.4, NM_053027.4, NM_053028.4); short protein forms V236M, V60M.
Identifiers: ClinVar variation 900918 (VCV000900918.9), dbSNP rs923797303, ClinGen allele CA82944687.